The following is an entry in ClinVar:

ClinVar aggregate classification (germline): Uncertain significance. Review status: criteria provided, single submitter (1 of 4 stars). 2 submissions from 2 submitters: Uncertain significance (1). 1 of the submissions does not count toward it. Last evaluated 2023-09-05.

Conditions:
Exostoses, multiple, type 2 (EXT2). Also called: EXOSTOSES, MULTIPLE, TYPE II; Hereditary Multiple Osteochondromatosis, Type II. Identifiers: Orphanet 321, MedGen C1851413, MONDO:0007586, OMIM 133701.
EXT2-related disorder. Also called: EXT2-related condition.

Allele frequency attached by ClinVar (database versions not stated): TOPMed 0.00003; ESP Exome Variant Server 0.00015; gnomAD 0.00001 and 0.00002; ExAC 0.00002; gnomAD exomes 0.00003.
gnomAD v4.1: 69 of 1,614,060 alleles (0.0043%); highest among the groups gnomAD compares: Non-Finnish European, 0.0055%; no homozygotes.

Submissions (2):

Labcorp Genetics (formerly Invitae), Labcorp
Classification: Uncertain significance for Exostoses, multiple, type 2. Last evaluated: 2023-09-05. Review status: criteria provided, single submitter. Criteria: Invitae Variant Classification Sherloc (09022015). Collection method: clinical testing. Allele origin: germline.
Comment: An algorithm developed to predict the effect of missense changes on protein structure and function (PolyPhen-2) suggests that this variant is likely to be tolerated. ClinVar contains an entry for this variant (Variation ID: 1362754). This variant has not been reported in the literature in individuals affected with EXT2-related conditions. This variant is present in population databases (rs147587178, gnomAD 0.006%). This sequence change replaces asparagine, which is neutral and polar, with isoleucine, which is neutral and non-polar, at codon 99 of the EXT2 protein (p.Asn99Ile). In summary, the available evidence is currently insufficient to determine the role of this variant in disease. Therefore, it has been classified as a Variant of Uncertain Significance.

PreventionGenetics, part of Exact Sciences
Classification: Uncertain significance for EXT2-related condition. Last evaluated: 2024-02-22. Review status: no assertion criteria provided. Collection method: clinical testing. Allele origin: germline. Not counted in ClinVar's aggregate classification.
Comment: The EXT2 c.296A>T variant is predicted to result in the amino acid substitution p.Asn99Ile. To our knowledge, this variant has not been reported in the literature. This variant is reported in 0.0047% of alleles in individuals of European (Non-Finnish) descent in gnomAD and is interpreted as a variant of uncertain significance in ClinVar. At this time, the clinical significance of this variant is uncertain due to the absence of conclusive functional and genetic evidence.

NM_207122.2(EXT2):c.296A>T (p.Asn99Ile)

Gene: EXT2 (exostosin glycosyltransferase 2; plus strand). Cytogenetic location: 11p11.2.
Variant type: single nucleotide variant.
Coding change: c.296A>T on transcript NM_207122.2 (MANE Select); coding-DNA position 296, A replaced by T.
Protein change: p.Asn99Ile; replaces asparagine 99 with isoleucine.
Molecular consequence: missense variant.
Genome position (GRCh38, 1-based): chr11:44,108,008, A>T. VCF-style: chr11-44108008-A-T. GRCh37 (hg19) VCF-style: chr11-44129558-A-T.
Other names: c.296A>T (NM_207122.1); c.395A>T, p.Asn132Ile (NM_000401.3); c.296A>T, p.Asn99Ile (NM_001178083.3, NM_001389628.1, NM_001389630.1); short protein forms N132I, N99I.
Identifiers: ClinVar variation 1362754 (VCV001362754.10), dbSNP rs147587178, ClinGen allele CA5954856.